The following is an entry in ClinVar:

ClinVar aggregate classification (germline): Benign/Likely benign. Review status: criteria provided, multiple submitters, no conflicts (2 of 4 stars). 7 submissions from 7 submitters: Benign (2); Likely benign (4). 1 of the submissions does not count toward it. Last evaluated 2026-04-01.

Conditions:
Atypical hemolytic-uremic syndrome with I factor anomaly. Also called: HEMOLYTIC UREMIC SYNDROME, ATYPICAL, SUSCEPTIBILITY TO, 3; AHUS, SUSCEPTIBILITY TO, 3. Identifiers: Orphanet 2134, MedGen C2752039, MONDO:0013041, OMIM 612923.
CFI-related disorder. Also called: CFI-related disorders; CFI-related condition. Identifiers: MedGen CN239325.

Allele frequency attached by ClinVar (database versions not stated): 1000 Genomes Project 0.00040; 1000 Genomes Project 30x 0.00047; ExAC 0.00127; gnomAD 0.00127 and 0.00134; TOPMed 0.00131; gnomAD exomes 0.00135 and 0.00271; ESP Exome Variant Server 0.00138.
gnomAD v4.1: 4,177 of 1,614,134 alleles (0.26%); highest among the groups gnomAD compares: Non-Finnish European, 0.33%; 9 homozygotes.

Submissions (7):

CeGaT Center for Human Genetics Tuebingen
Classification: Likely benign. Last evaluated: 2026-04-01. Review status: criteria provided, single submitter. Criteria: CeGaT Center For Human Genetics Tuebingen Variant Classification Criteria Version 2. Collection method: clinical testing. Allele origin: germline. Affected: yes. Observed: 4 variant alleles.
Comment: CFI: BP4, BS1

Labcorp Genetics (formerly Invitae), Labcorp
Classification: Benign. Last evaluated: 2026-01-12. Review status: criteria provided, single submitter. Criteria: Invitae Variant Classification Sherloc (09022015). Collection method: clinical testing. Allele origin: germline.

Genomenon, Inc
Classification: Benign for CFI-related disorder. Last evaluated: 2025-09-26. Review status: criteria provided, single submitter. Criteria: Genomenon Sequence Variant Interpretation Standards - Updated. Collection method: curation. Allele origin: germline. Affected: yes.
Comment: CFI p.Pro553Ser (c.1657C>T) is a missense variant that changes the amino acid at residue 553 from Proline to Serine. This variant has been observed in at least one proband affected with a CFI-related disorder (PMID:27268256;32510551;28939980;17914026;26557394;31312772;23431077;22223611;20016463;30077216). Well-established functional studies show no damaging effect of this variant on protein function, supporting a benign classification (PMID:38852887;32510551). In silico models agree that this variant is not damaging. This variant’s allele frequency in gnomAD is greater than expected for this disorder. In conclusion, we classify CFI p.Pro553Ser (c.1657C>T) as a benign variant.

Blueprint Genetics
Classification: Likely benign. Last evaluated: 2024-11-15. Review status: criteria provided, single submitter. Criteria: ACMG Guidelines, 2015. Collection method: clinical testing. Allele origin: germline.

Mayo Clinic Laboratories, Mayo Clinic
Classification: Likely benign. Last evaluated: 2024-10-15. Review status: criteria provided, single submitter. Criteria: ACMG Guidelines, 2015. Collection method: clinical testing. Allele origin: germline. Observed: 5 variant alleles.
Comment: BP4, BP5

Illumina Laboratory Services, Illumina
Classification: Likely benign for Atypical hemolytic-uremic syndrome with I factor anomaly. Last evaluated: 2017-04-27. Review status: criteria provided, single submitter. Criteria: ICSL Variant Classification Criteria 13 December 2019. Collection method: clinical testing. Allele origin: germline.
Comment: This variant was observed as part of a predisposition screen in an ostensibly healthy population. A literature search was performed for the gene, cDNA change, and amino acid change (where applicable). No publications were found based on this search. Allele frequency data from public databases allowed determination this variant is unlikely to cause disease. Therefore, this variant is classified as likely benign.

PreventionGenetics, part of Exact Sciences
Classification: Likely benign for CFI-related condition. Last evaluated: 2023-05-16. Review status: no assertion criteria provided. Collection method: clinical testing. Allele origin: germline. Not counted in ClinVar's aggregate classification.
Comment: This variant is classified as likely benign based on ACMG/AMP sequence variant interpretation guidelines (Richards et al. 2015 PMID: 25741868, with internal and published modifications).

Literature cited by the submitters: PubMed 27268256 (cited by Genomenon, Inc); 32510551 (cited by Genomenon, Inc); 28939980 (cited by Genomenon, Inc); 17914026 (cited by Genomenon, Inc); 26557394 (cited by Genomenon, Inc); 31312772 (cited by Genomenon, Inc); 23431077 (cited by Genomenon, Inc); 22223611 (cited by Genomenon, Inc); 20016463 (cited by Genomenon, Inc); 30077216 (cited by Genomenon, Inc); 38852887 (cited by Genomenon, Inc); PubMed 17914026 (cited by Mayo Clinic Laboratories, Mayo Clinic); PubMed 20016463 (cited by Mayo Clinic Laboratories, Mayo Clinic); PubMed 22223611 (cited by Mayo Clinic Laboratories, Mayo Clinic); PubMed 23307876 (cited by Mayo Clinic Laboratories, Mayo Clinic); PubMed 23431077 (cited by Mayo Clinic Laboratories, Mayo Clinic).

NM_000204.5(CFI):c.1657C>T (p.Pro553Ser)

Gene: CFI (complement factor I; minus strand). Cytogenetic location: 4q25.
Variant type: single nucleotide variant.
Coding change: c.1657C>T on transcript NM_000204.5 (MANE Select); coding-DNA position 1657, C replaced by T.
Protein change: p.Pro553Ser; replaces proline 553 with serine.
Molecular consequence: missense variant. On other transcripts: non-coding transcript variant (3), intron variant (5).
Genome position (GRCh38, 1-based): chr4:109,740,988, G>A on the plus strand (C>T on the coding strand, the complement: CFI is on the minus strand). VCF-style: chr4-109740988-G-A. GRCh37 (hg19) VCF-style: chr4-110662144-G-A.
Other names: p.Pro553Ser; c.1657C>T (NM_000204.4); c.1681C>T, p.Pro561Ser (NM_001318057.2); c.1636C>T, p.Pro546Ser (NM_001331035.2); c.1600C>T, p.Pro534Ser (NM_001375283.1); c.1048C>T, p.Pro350Ser (NM_001375284.1); c.1513+1503C>T (NM_001375282.1, NM_001375280.1); c.1534+1503C>T (NM_001375281.1, NM_001375279.1); and 1 more; short protein forms P553S, P546S, P561S, P350S, P534S.
Identifiers: ClinVar variation 347146 (VCV000347146.27), dbSNP rs113460688, ClinGen allele CA3041845.
Genomic context (GRCh38, chr4:109,740,988, plus strand): 5'-CATGGTAGCTAATCCAGTCAAAATAATTGGCCACTTTGGTGTAAACACCTGGGAACTCTG[G>A]TTTTCCACAGTTTTCCCCCCAACTCACAACACCCCAGACATAAGTCACATTGTTGGCATC-3'
Protein context (NP_000195.3, residues 543-563): VVSWGENCGK[Pro553Ser]EFPGVYTKVA